The following is an entry in ClinVar:

NM_001130438.3(SPTAN1):c.6093G>T (p.Gln2031His)

Gene: SPTAN1 (spectrin alpha, non-erythrocytic 1; plus strand). Cytogenetic location: 9q34.11.
Variant type: single nucleotide variant.
Coding change: c.6093G>T on transcript NM_001130438.3 (MANE Select); coding-DNA position 6093, G replaced by T.
Protein change: p.Gln2031His; replaces glutamine 2031 with histidine.
Molecular consequence: missense variant.
Genome position (GRCh38, 1-based): chr9:128,625,792, G>T. VCF-style: chr9-128625792-G-T. GRCh37 (hg19) VCF-style: chr9-131388071-G-T.
Other names: c.6093G>T, p.Gln2031His (NM_001375310.1, NM_001375311.2, NM_001375313.1 and 1 more transcripts); c.6129G>T, p.Gln2043His (NM_001375312.2, NM_001375318.1); c.6033G>T, p.Gln2011His (NM_001375314.2, NM_001363765.2); c.6078G>T, p.Gln2026His (NM_003127.4); c.6018G>T, p.Gln2006His (NM_001195532.2); short protein forms Q2011H, Q2026H, Q2043H, Q2031H, Q2006H.
Identifiers: ClinVar variation 2823229 (VCV002823229.3), dbSNP rs2542188269, ClinGen allele CA375085900.
Genomic context (GRCh38, chr9:128,625,792, plus strand): 5'-GGAGTCACCACAAATTGGCTTGTCACTCCTTGTTCAGGAAACTTTTGACGCTGGGCTGCA[G>T]GCCTTCCAGCAGGAAGGCATTGCCAACATCACTGCCCTCAAAGATCAGCTTCTCGCCGCC-3'
Protein context (NP_001123910.1, residues 2021-2041): TKQETFDAGL[Gln2031His]AFQQEGIANI

ClinVar aggregate classification (germline): Uncertain significance (1 of 4 stars; one submission).

Conditions:
Early-infantile DEE. Also called: Early infantile epileptic encephalopathy; Early infantile epileptic encephalopathy with suppression bursts; Ohtahara syndrome. Identifiers: Orphanet 1934, MedGen C0393706, MONDO:0800491.

Submission:

Labcorp Genetics (formerly Invitae), Labcorp
Classification: Uncertain significance for Early-infantile DEE. Last evaluated: 2022-12-22. Review status: criteria provided, single submitter. Criteria: Invitae Variant Classification Sherloc (09022015). Collection method: clinical testing. Allele origin: germline.
Comment: In summary, the available evidence is currently insufficient to determine the role of this variant in disease. Therefore, it has been classified as a Variant of Uncertain Significance. Algorithms developed to predict the effect of sequence changes on RNA splicing suggest that this variant may create or strengthen a splice site. Algorithms developed to predict the effect of missense changes on protein structure and function (SIFT, PolyPhen-2, Align-GVGD) all suggest that this variant is likely to be tolerated. This variant has not been reported in the literature in individuals affected with SPTAN1-related conditions. This variant is not present in population databases (gnomAD no frequency). This sequence change replaces glutamine, which is neutral and polar, with histidine, which is basic and polar, at codon 2031 of the SPTAN1 protein (p.Gln2031His).